The following is an entry in ClinVar:

ClinVar aggregate classification (germline): Uncertain significance. Review status: criteria provided, multiple submitters, no conflicts (2 of 4 stars). 4 submissions from 4 submitters: Uncertain significance (3). 1 of the submissions does not count toward it. Last evaluated 2026-01-28.

Conditions:
Dyskeratosis congenita. Identifiers: Orphanet 1775, MedGen C0265965, MONDO:0015780.
Inborn genetic diseases. Identifiers: MedGen C0950123, MeSH D030342.
Dyskeratosis congenita, autosomal recessive 5 (DKCB5). Identifiers: MedGen C3554656, MONDO:0014076, OMIM 615190.
Pulmonary fibrosis and/or bone marrow failure, Telomere-related, 3. Also called: PULMONARY FIBROSIS AND/OR BONE MARROW FAILURE SYNDROME, TELOMERE-RELATED, 3. Identifiers: Orphanet 2032, MedGen C4225346, MONDO:0014613, OMIM 616373.

Allele frequency attached by ClinVar (database versions not stated): gnomAD 0.00003 and 0.00004; gnomAD exomes 0.00004 and 0.00007; TOPMed 0.00004; ExAC 0.00005.
gnomAD v4.1: 62 of 1,613,632 alleles (0.0038%); highest among the groups gnomAD compares: East Asian, 0.04%; no homozygotes.

Submissions (4):

Labcorp Genetics (formerly Invitae), Labcorp
Classification: Uncertain significance for Dyskeratosis congenita, autosomal recessive 5; Pulmonary fibrosis and/or bone marrow failure, Telomere-related, 3. Last evaluated: 2026-01-28. Review status: criteria provided, single submitter. Criteria: Invitae Variant Classification Sherloc (09022015). Collection method: clinical testing. Allele origin: germline.
Comment: This sequence change replaces arginine, which is basic and polar, with glutamine, which is neutral and polar, at codon 213 of the RTEL1 protein (p.Arg213Gln). This variant is present in population databases (rs770742969, gnomAD 0.07%). This variant has not been reported in the literature in individuals affected with RTEL1-related conditions. ClinVar contains an entry for this variant (Variation ID: 856310). An algorithm developed to predict the effect of missense changes on protein structure and function (PolyPhen-2) suggests that this variant is likely to be disruptive. In summary, the available evidence is currently insufficient to determine the role of this variant in disease. Therefore, it has been classified as a Variant of Uncertain Significance.

Ambry Genetics
Classification: Uncertain significance for Inborn genetic diseases. Last evaluated: 2024-08-27. Review status: criteria provided, single submitter. Criteria: Ambry Variant Classification Scheme 2023. Collection method: clinical testing. Allele origin: germline.

GeneDx
Classification: Uncertain significance. Last evaluated: 2023-07-11. Review status: criteria provided, single submitter. Criteria: GeneDx Variant Classification Process June 2021. Collection method: clinical testing. Allele origin: germline. Affected: yes.
Comment: In silico analysis supports that this missense variant has a deleterious effect on protein structure/function; Has not been previously published as pathogenic or benign to our knowledge; This variant is associated with the following publications: (PMID: 32579932)

Natera, Inc.
Classification: Uncertain significance for Dyskeratosis congenita. Last evaluated: 2019-11-11. Review status: no assertion criteria provided. Collection method: clinical testing. Allele origin: germline. Not counted in ClinVar's aggregate classification.

NM_001283009.2(RTEL1):c.638G>A (p.Arg213Gln)

Genes: RTEL1 (regulator of telomere elongation helicase 1; plus strand), RTEL1-TNFRSF6B (RTEL1-TNFRSF6B readthrough (NMD candidate); plus strand). Cytogenetic location: 20q13.33.
Variant type: single nucleotide variant.
Coding change: c.638G>A on transcript NM_001283009.2 (MANE Select); coding-DNA position 638, G replaced by A.
Protein change: p.Arg213Gln; replaces arginine 213 with glutamine.
Molecular consequence: missense variant. On other transcripts: non-coding transcript variant (1), 5 prime UTR variant (1).
Genome position (GRCh38, 1-based): chr20:63,667,492, G>A. VCF-style: chr20-63667492-G-A. GRCh37 (hg19) VCF-style: chr20-62298845-G-A.
Other names: c.710G>A (NM_032957.4); c.-32G>A (NM_001283010.1); c.638G>A, p.Arg213Gln (NM_016434.4); c.710G>A, p.Arg237Gln (NM_032957.5); short protein forms R237Q, R213Q.
Identifiers: ClinVar variation 856310 (VCV000856310.11), dbSNP rs770742969, ClinGen allele CA9964382.
Genomic context (GRCh38, chr20:63,667,492, plus strand): 5'-GGGGTGCTCACAGGATCTTCTCCTCTCTCCTTCCCAGGGTGTGCCCTTACTACCTGTCCC[G>A]GAACCTGAAGCAGCAAGCCGACATCATATTCATGCCGTACAATTACTTGTTGGATGCCAA-3'
Protein context (NP_001269938.1, residues 203-223): KHRVCPYYLS[Arg213Gln]NLKQQADIIF